The following is an entry in ClinVar:

ClinVar aggregate classification (germline): Conflicting classifications of pathogenicity. Review status: criteria provided, conflicting classifications (1 of 4 stars). 10 submissions from 9 submitters: Pathogenic (3); Likely pathogenic (2); Uncertain significance (4); Likely benign (1). Last evaluated 2026-09-02.

Conditions:
Intellectual disability. Also called: Intellectual developmental disorder; Intellectual functioning disability; intellectual disabilities. Identifiers: MedGen C3714756, MeSH D008607, MONDO:0001071, HP:0001249.
Dystonia, early-onset, and/or spastic paraplegia. Identifiers: MedGen C5562051, MONDO:0859215, OMIM 619681.
THOC6-related developmental delay-microcephaly-facial dysmorphism syndrome. Also called: Beaulieu-Boycott-Innes syndrome; THOC6 Intellectual Disability Syndrome; Microcephaly, mental retardation, and distinctive facies, with cardiac and genitourinary malformations. Identifiers: Orphanet 363444, MedGen C3150939, MONDO:0013362, OMIM 613680.
Fetal anomalies with a likely genetic cause.
Inborn genetic diseases. Identifiers: MedGen C0950123, MeSH D030342.

Allele frequency attached by ClinVar (database versions not stated): 1000 Genomes Project 30x 0.00016; gnomAD exomes 0.00018 and 0.00039; TOPMed 0.00018; 1000 Genomes Project 0.00020; gnomAD 0.00020; ExAC 0.00022; ESP Exome Variant Server 0.00031.
gnomAD v4.1: 587 of 1,614,132 alleles (0.036%); highest among the groups gnomAD compares: Non-Finnish European, 0.046%; no homozygotes.

Submissions (10):

Genetics Laboratory, Great Ormond Street Hospital NHS Foundation Trust, North Thames Genomic Laboratory Hub
Classification: Likely pathogenic for Fetal anomalies with a likely genetic cause. Last evaluated: 2026-09-02. Review status: criteria provided, single submitter. Criteria: ACGS Best Practice Guidelines for Variant Classification in Rare Disease 2024 v1.2. Collection method: clinical testing. Allele origin: germline. Affected: yes.
Comment: PM2_moderate, PS3_supporting, PM3_strong

Victorian Clinical Genetics Services, Murdoch Childrens Research Institute
Classification: Likely benign for THOC6-related developmental delay-microcephaly-facial dysmorphism syndrome. Last evaluated: 2023-07-17. Review status: criteria provided, single submitter. Criteria: ACMG Guidelines, 2015. Collection method: clinical testing. Allele origin: germline. Inheritance: Autosomal recessive inheritance. Affected: yes.
Comment: Based on the classification scheme VCGS_Germline_v1.3.4, this variant is classified as Likely Benign. Following criteria are met: 0102 - Loss of function is a known mechanism of disease in this gene and is associated with Beaulieu-Boycott-Innes syndrome (MIM#613680). (I) 0106 - This gene is associated with autosomal recessive disease. (I) 0200 - Variant is predicted to result in a missense amino acid change from valine to leucine. (I) 0251 - This variant is heterozygous. (I) 0304 - Variant is present in gnomAD (v2) <0.01 for a recessive condition (49 heterozygotes, 0 homozygotes). (SP) 0309 - Multiple alternative amino acid changes at the same position have been observed in gnomAD (v2) (highest allele count: 1 heterozygote, 0 homozygotes). (I) 0503 - Missense variant consistently predicted to be tolerated by multiple in silico tools or not conserved in placental mammals with a minor amino acid change. (SB) 0600 - Variant is located in the annotated WD5 repeat (PMID: 30476144). (I) 0705 - No comparable missense variants have previous evidence for pathogenicity. (I) 0802 - This variant has some previous evidence of pathogenicity in unrelated individuals. This variant has been previously reported as likely pathogenic, likely benign and as a VUS (ClinVar, LOVD, Decipher). It has also been reported as part of a haplotype in multiple homozygous or compound heterozygous individuals with intellectual disability (PMID: 30476144, 31421288, 27295358, 35426486, 36900003). (SP) 1010 - Functional evidence for this variant is inconclusive. Functional studies of this variant alone showed normal protein localization and THOC1/5 interactions (PMID: 30476144). (I) 1208 - Inheritance information for this variant is not currently available in this individual. (I)

Institute of Human Genetics Munich, TUM University Hospital
Classification: Pathogenic for THOC6-related developmental delay-microcephaly-facial dysmorphism syndrome. Last evaluated: 2022-10-21. Review status: criteria provided, single submitter. Criteria: Classification criteria August 2017. Collection method: clinical testing. Allele origin: germline. Inheritance: Autosomal recessive inheritance. Affected: yes. Observed: 1 variant allele.

CeGaT Center for Human Genetics Tuebingen
Classification: Pathogenic. Last evaluated: 2021-11-01. Review status: criteria provided, single submitter. Criteria: CeGaT Center For Human Genetics Tuebingen Variant Classification Criteria Version 2. Collection method: clinical testing. Allele origin: germline. Affected: yes. Observed: 2 variant alleles.

Ambry Genetics
Classification: Pathogenic for Inborn genetic diseases. Last evaluated: 2021-02-22. Review status: criteria provided, single submitter. Criteria: Ambry Variant Classification Scheme 2023. Collection method: clinical testing. Allele origin: germline.
Comment: The c.700G>C (p.V234L) alteration is located in coding exon 11 of the THOC6 gene. This alteration results from a G to C substitution at nucleotide position 700, causing the valine (V) at amino acid position 234 to be replaced by a leucine (L). Based on data from the Genome Aggregation Database (gnomAD) database, the THOC6 c.700G>C alteration was observed in 0.02% (49/282,608) of total alleles studied, with a frequency of 0.03% (36/129,008) in the European (non-Finnish) subpopulation. The c.298T>A (p.W100R), c.700G>C (p.V234L), and c.824G>A (p.G275D) alterations make up a known haplotype which was previously reported homozygous or compound heterozygous with another alteration in THOC1 in multiple patients with Beaulieu&ndash;Boycott&ndash;Innes syndrome (Casey, 2016; Mattioli, 2019; Gupta, 2020). The patients were reported to have intellectual disability, varying dysmorphic features, and other congenital anomalies including cardiac, genitourinary, renal, and skeletal malformations. The p.V234 amino acid is conserved in available vertebrate species. The p.V234L amino acid is located in a separate domain than the domains with the p.W100R and p.G275D amino acids and together may affect the functionality of the larger WD40 domain. Functional expression assays demonstrated that the c.(298T>A; 700G>C; 824G>C) haplotype in THOC6 alters THOC6 physiological nuclear localization and its interaction with other members of the THO complex, THOC1 and THOC5 and that the pathogenicity of the haplotype results from a combined effect of at least two of the three missense changes (Mattioli, 2019). The p.V234L alteration is predicted to be tolerated by in silico analysis. Based on the available evidence, this alteration is classified as pathogenic.

GeneDx
Classification: Uncertain significance. Last evaluated: 2020-11-13. Review status: criteria provided, single submitter. Criteria: GeneDx Variant Classification Process June 2021. Collection method: clinical testing. Allele origin: germline. Affected: yes.
Comment: Functional studies of the p.[W100R; G275D; V234L] haplotype suggest a damaging effect with abnormal nuclear localization and decreased interaction with protein partners from the THO complex, however, the V234L variant on its own did not affect nuclear localization nor interaction with protein partners (Mattioli et al., 2019); In silico analysis supports that this missense variant does not alter protein structure/function; This variant is associated with the following publications: (PMID: 33144682, 31216405, 31421288, 30476144, 27295358, 26739162, 20503307, 23621916, 27102954, 15998806, 19059247, 11060033)

Cambridge Genomics Laboratory, East Genomic Laboratory Hub, NHS Genomic Medicine Service
Classification: Likely pathogenic for Intellectual disability. Last evaluated: 2020-09-22. Review status: criteria provided, single submitter. Criteria: ACGS Best Practice Guidelines for Variant Classification in Rare Disease 2020. Collection method: clinical testing. Allele origin: germline. Affected: yes. Observed: 1 variant allele.

Cambridge Genomics Laboratory, East Genomic Laboratory Hub, NHS Genomic Medicine Service
Classification: Uncertain significance for Dystonia, early-onset, and/or spastic paraplegia. Last evaluated: 2019-05-16. Review status: criteria provided, single submitter. Criteria: ACGS Best Practice Guidelines for Variant Classification in Rare Disease 2020. Collection method: clinical testing. Allele origin: germline. Affected: yes. Observed: 1 variant allele.

Medgenome Labs Ltd
Classification: Uncertain significance for Beaulieu-Boycott-Innes syndrome. Last evaluated: 2019-02-02. Review status: criteria provided, single submitter. Criteria: ACMG Guidelines, 2015. Collection method: research. Allele origin: germline. Inheritance: Autosomal recessive inheritance. Affected: yes. Observed: 4 variant alleles, 2 heterozygotes, 2 homozygotes. Clinical features observed: Global developmental delay (HP:0001263), Abnormal facial shape (HP:0001999), Synophrys (HP:0000664), Deeply set eye (HP:0000490), Short palpebral fissure (HP:0012745), Epicanthus (HP:0000286), Plagiocephaly (HP:0001357), Cryptorchidism (HP:0000028), Congenital elevation of scapula (HP:0000912), Failure to thrive (HP:0001508).
Comment: The haplotype c.

Baylor Genetics
Classification: Uncertain significance for THOC6-related developmental delay-microcephaly-facial dysmorphism syndrome. Review status: criteria provided, single submitter. Criteria: ACMG Guidelines, 2015. Collection method: clinical testing. Allele origin: unknown.

Literature cited by the submitters: PubMed 27295358 (cited by 3 submitters); PubMed 30476144 (cited by 3 submitters); PubMed 31421288 (cited by Victorian Clinical Genetics Services, Murdoch Childrens Research Institute and Ambry Genetics); PubMed 35426486 (cited by Victorian Clinical Genetics Services, Murdoch Childrens Research Institute); PubMed 36900003 (cited by Victorian Clinical Genetics Services, Murdoch Childrens Research Institute).

NM_024339.5(THOC6):c.700G>C (p.Val234Leu)

Gene: THOC6 (THO complex subunit 6; plus strand). Cytogenetic location: 16p13.3.
Variant type: single nucleotide variant.
Coding change: c.700G>C on transcript NM_024339.5 (MANE Select); coding-DNA position 700, G replaced by C.
Protein change: p.Val234Leu; replaces valine 234 with leucine.
Molecular consequence: missense variant.
Genome position (GRCh38, 1-based): chr16:3,027,170, G>C. VCF-style: chr16-3027170-G-C. GRCh37 (hg19) VCF-style: chr16-3077171-G-C.
Other names: c.700G>C, p.Val234Leu (NM_001142350.3, NM_001347704.2); c.628G>C, p.Val210Leu (NM_001347703.2); c.700G>C (NM_024339.4); short protein forms V234L, V210L.
Identifiers: ClinVar variation 521348 (VCV000521348.54), dbSNP rs150940923, ClinGen allele CA7855143.